The following is an entry in ClinVar:

NM_003978.5(PSTPIP1):c.838+145A>G

Gene: PSTPIP1 (proline-serine-threonine phosphatase interacting protein 1; plus strand). Cytogenetic location: 15q24.3.
Variant type: single nucleotide variant.
Coding change: c.838+145A>G on transcript NM_003978.5 (MANE Select); 145 bases into the intron after coding-DNA position 838, A replaced by G.
Molecular consequence: intron variant.
Genome position (GRCh38, 1-based): chr15:77,032,539, A>G. VCF-style: chr15-77032539-A-G. GRCh37 (hg19) VCF-style: chr15-77324880-A-G.
Other names: c.1033+145A>G (NM_001321137.1); c.811+145A>G (NM_001321136.2); c.872+111A>G (NM_001321135.2).
Identifiers: ClinVar variation 440205 (VCV000440205.12), dbSNP rs4078354, ClinGen allele CA7676033.
Genomic context (GRCh38, chr15:77,032,539, plus strand): 5'-CGGGCTGGGGTAGCTCACAGCTCCCTTCAGGGCAGAGAAGCCCTAGCAGGGGTTGTGGGG[A>G]GTTGGGTCCCAGGCCTGCTGCCTCCTCTCAGGCAAAGCTAAGGGCATGATGGCACTCAGA-3'

ClinVar aggregate classification (germline): Benign. Review status: criteria provided, multiple submitters, no conflicts (2 of 4 stars). 4 submissions from 4 submitters: Benign (4). Last evaluated 2023-11-12.

Conditions:
Pyogenic arthritis-pyoderma gangrenosum-acne syndrome (PAPA). Also called: PAPA SYNDROME; FAMILIAL RECURRENT ARTHRITIS. Identifiers: Orphanet 69126, MedGen C1858361, MONDO:0011462, OMIM 604416.

Allele frequency attached by ClinVar (database versions not stated): 1000 Genomes Project 30x 0.53029; 1000 Genomes Project 0.53175; TOPMed 0.58538; gnomAD 0.59379 and 0.59602; gnomAD exomes 0.60336 and 0.64096.
gnomAD v4.1: 521,947 of 825,384 alleles (63%); highest among the groups gnomAD compares: Middle Eastern, 74%; 167,542 homozygotes.

Submissions (4):

Unidad de Genómica Garrahan, Hospital de Pediatría Garrahan
Classification: Benign. Last evaluated: 2023-11-12. Review status: criteria provided, single submitter. Criteria: ACMG Guidelines, 2015. Collection method: clinical testing. Allele origin: germline. Affected: no. Observed: 46 variant alleles.
Comment: This variant is classified as Benign based on local population frequency. This variant was detected in 48% of patients studied by a panel of primary immunodeficiencies. Number of patients: 46. Only high quality variants are reported.

ARUP Laboratories, Molecular Genetics and Genomics, ARUP Laboratories
Classification: Benign for Pyogenic arthritis-pyoderma gangrenosum-acne syndrome. Last evaluated: 2018-07-03. Review status: criteria provided, single submitter. Criteria: ARUP Molecular Germline Variant Investigation Process. Collection method: clinical testing. Allele origin: germline.

GeneDx
Classification: Benign. Last evaluated: 2018-06-19. Review status: criteria provided, single submitter. Criteria: GeneDx Variant Classification (06012015). Collection method: clinical testing. Allele origin: germline. Affected: yes.
Comment: This variant is considered likely benign or benign based on one or more of the following criteria: it is a conservative change, it occurs at a poorly conserved position in the protein, it is predicted to be benign by multiple in silico algorithms, and/or has population frequency not consistent with disease.

Breakthrough Genomics
Classification: Benign. Review status: criteria provided, single submitter. Criteria: ACMG Guidelines, 2015. Collection method: not provided. Allele origin: germline. Inheritance: Autosomal dominant inheritance. Affected: yes.